The following is an entry in ClinVar:

ClinVar aggregate classification (germline): Likely benign. Review status: criteria provided, multiple submitters, no conflicts (2 of 4 stars). 3 submissions from 3 submitters: Likely benign (3). Last evaluated 2026-03-01.

Allele frequency attached by ClinVar (database versions not stated): TOPMed 0.00003; gnomAD 0.00005.
gnomAD v4.1: 52 of 1,518,884 alleles (0.0034%); highest among the groups gnomAD compares: East Asian, 0.0053%; no homozygotes.

Submissions (3):

CeGaT Center for Human Genetics Tuebingen
Classification: Likely benign. Last evaluated: 2026-03-01. Review status: criteria provided, single submitter. Criteria: CeGaT Center For Human Genetics Tuebingen Variant Classification Criteria Version 2. Collection method: clinical testing. Allele origin: germline. Affected: yes. Observed: 1 variant allele.
Comment: PDE4D: BP4, BP7

Labcorp Genetics (formerly Invitae), Labcorp
Classification: Likely benign. Last evaluated: 2025-04-19. Review status: criteria provided, single submitter. Criteria: Invitae Variant Classification Sherloc (09022015). Collection method: clinical testing. Allele origin: germline.

Blueprint Genetics
Classification: Likely benign. Last evaluated: 2024-11-17. Review status: criteria provided, single submitter. Criteria: ACMG Guidelines, 2015. Collection method: clinical testing. Allele origin: germline.

NM_001104631.2(PDE4D):c.24G>T (p.Ala8=)

Gene: PDE4D (phosphodiesterase 4D; minus strand). Cytogenetic location: 5q12.1.
Variant type: single nucleotide variant.
Coding change: c.24G>T on transcript NM_001104631.2 (MANE Select); coding-DNA position 24, G replaced by T.
Protein change: p.Ala8=; no amino-acid change (alanine 8 retained).
Molecular consequence: synonymous variant. On other transcripts: intron variant (5).
Genome position (GRCh38, 1-based): chr5:59,893,599, C>A on the plus strand (G>T on the coding strand, the complement: PDE4D is on the minus strand). VCF-style: chr5-59893599-C-A. GRCh37 (hg19) VCF-style: chr5-59189426-C-A.
Other names: c.272+94889G>T (NM_001364599.1, NM_001165899.2, NM_001364600.2); c.-240+94889G>T (NM_001349243.2); c.242+94889G>T (NM_001349241.2).
Identifiers: ClinVar variation 2175548 (VCV002175548.9), dbSNP rs922140885, ClinGen allele CA119327243.